The following is an entry in ClinVar:

NM_016599.5(MYOZ2):c.128T>C (p.Met43Thr)

Gene: MYOZ2 (myozenin 2; plus strand). Cytogenetic location: 4q26.
Variant type: single nucleotide variant.
Coding change: c.128T>C on transcript NM_016599.5 (MANE Select); coding-DNA position 128, T replaced by C.
Protein change: p.Met43Thr; replaces methionine 43 with threonine.
Molecular consequence: missense variant.
Genome position (GRCh38, 1-based): chr4:119,150,923, T>C. VCF-style: chr4-119150923-T-C. GRCh37 (hg19) VCF-style: chr4-120072078-T-C.
Other names: short protein forms M43T.
Identifiers: ClinVar variation 3622902 (VCV003622902.3).

ClinVar aggregate classification (germline): Uncertain significance. Review status: criteria provided, multiple submitters, no conflicts (2 of 4 stars). 2 submissions from 2 submitters: Uncertain significance (2). Last evaluated 2026-05-28.

Conditions:
Cardiovascular phenotype. Identifiers: MedGen CN230736.
Hypertrophic cardiomyopathy. Also called: HYPERTROPHIC MYOCARDIOPATHY. Identifiers: Orphanet 217569, MedGen C0007194, MeSH D002312, MONDO:0005045, HP:0001639.

gnomAD v4.1: 4 of 1,613,898 alleles (0.00025%); highest among the groups gnomAD compares: Admixed American, 0.0017%; no homozygotes.

Submissions (2):

Ambry Genetics
Classification: Uncertain significance for Cardiovascular phenotype. Last evaluated: 2026-05-28. Review status: criteria provided, single submitter. Criteria: Ambry Variant Classification Scheme 2023. Collection method: clinical testing. Allele origin: germline.
Comment: The p.M43T variant (also known as c.128T>C), located in coding exon 2 of the MYOZ2 gene, results from a T to C substitution at nucleotide position 128. The methionine at codon 43 is replaced by threonine, an amino acid with similar properties. This amino acid position is conserved. In addition, this alteration is predicted to be deleterious by in silico analysis. Based on the available evidence, the clinical significance of this variant remains unclear.

Labcorp Genetics (formerly Invitae), Labcorp
Classification: Uncertain significance for Hypertrophic cardiomyopathy. Last evaluated: 2024-04-25. Review status: criteria provided, single submitter. Criteria: Invitae Variant Classification Sherloc (09022015). Collection method: clinical testing. Allele origin: germline.
Comment: This sequence change replaces methionine, which is neutral and non-polar, with threonine, which is neutral and polar, at codon 43 of the MYOZ2 protein (p.Met43Thr). This variant is present in population databases (no rsID available, gnomAD 0.003%). This variant has not been reported in the literature in individuals affected with MYOZ2-related conditions. Advanced modeling of protein sequence and biophysical properties (such as structural, functional, and spatial information, amino acid conservation, physicochemical variation, residue mobility, and thermodynamic stability) performed at Invitae indicates that this missense variant is expected to disrupt MYOZ2 protein function with a positive predictive value of 80%. In summary, the available evidence is currently insufficient to determine the role of this variant in disease. Therefore, it has been classified as a Variant of Uncertain Significance.